The following is an entry in ClinVar:

ClinVar aggregate classification (germline): Pathogenic (1 of 4 stars; one submission).

Conditions:
Familial adenomatous polyposis 1 (FAP1). Also called: POLYPOSIS, ADENOMATOUS INTESTINAL; FAMILIAL ADENOMATOUS POLYPOSIS 1, ATTENUATED. Identifiers: MedGen C2713442, MONDO:0021056, OMIM 175100. Disease mechanism: loss of function.

Submission:

Labcorp Genetics (formerly Invitae), Labcorp
Classification: Pathogenic for Familial adenomatous polyposis 1. Last evaluated: 2018-01-11. Review status: criteria provided, single submitter. Criteria: Invitae Variant Classification Sherloc (09022015). Collection method: clinical testing. Allele origin: germline.
Comment: This sequence change results in a premature translational stop signal in the APC gene (p.Ser1842*). While this is not anticipated to result in nonsense mediated decay, it is expected to delete the last 1002 amino acids of the APC protein. For these reasons, this variant has been classified as Pathogenic. Several different truncations downstream of this variant ( p.Asp1942Glufs*27, p.Arg1943Lysfs*28) have been determined to be pathogenic (PMID: 8968744, 15108286, 11001924, 21779980). This suggests that deletion of this region of the APC protein is causative of disease. This variant has not been reported in the literature in individuals with APC-related disease. This variant is not present in population databases (ExAC no frequency).

Literature cited by the submitters: PubMed 8968744; PubMed 15108286; PubMed 11001924; PubMed 21779980.

NM_000038.6(APC):c.5525C>A (p.Ser1842Ter)

Gene: APC (APC regulator of Wnt signaling pathway; plus strand). Cytogenetic location: 5q22.2.
Variant type: single nucleotide variant.
Coding change: c.5525C>A on transcript NM_000038.6 (MANE Select); coding-DNA position 5525, C replaced by A.
Protein change: p.Ser1842Ter; replaces serine 1842 with a stop codon.
Molecular consequence: nonsense.
Genome position (GRCh38, 1-based): chr5:112,841,119, C>A. VCF-style: chr5-112841119-C-A. GRCh37 (hg19) VCF-style: chr5-112176816-C-A.
Other names: c.5525C>A, p.Ser1842Ter (NM_001127510.3, NM_001354895.2); c.5471C>A, p.Ser1824Ter (NM_001127511.3); c.5579C>A, p.Ser1860Ter (NM_001354896.2); c.5555C>A, p.Ser1852Ter (NM_001354897.2); c.5450C>A, p.Ser1817Ter (NM_001354898.2); c.5441C>A, p.Ser1814Ter (NM_001354899.2); c.5402C>A, p.Ser1801Ter (NM_001354900.2); c.5348C>A, p.Ser1783Ter (NM_001354901.2); and 5 more; short protein forms S1559*, S1682*, S1716*, S1741*, S1751*, S1783*, S1801*, S1814*.
Identifiers: ClinVar variation 1073101 (VCV001073101.10), dbSNP rs2149942405, ClinGen allele CA16033420.